The following is an entry in ClinVar:

NM_000102.4(CYP17A1):c.1360C>T (p.Leu454Phe)

Gene: CYP17A1 (cytochrome P450 family 17 subfamily A member 1; minus strand). Cytogenetic location: 10q24.32.
Variant type: single nucleotide variant.
Coding change: c.1360C>T on transcript NM_000102.4 (MANE Select); coding-DNA position 1360, C replaced by T.
Protein change: p.Leu454Phe; replaces leucine 454 with phenylalanine.
Molecular consequence: missense variant.
Genome position (GRCh38, 1-based): chr10:102,830,869, G>A on the plus strand (C>T on the coding strand, the complement: CYP17A1 is on the minus strand). VCF-style: chr10-102830869-G-A. GRCh37 (hg19) VCF-style: chr10-104590626-G-A.
Other names: c.1360C>T (NM_000102.3); short protein forms L454F.
Identifiers: ClinVar variation 2954957 (VCV002954957.6), dbSNP rs957099355, ClinGen allele CA212290796.

ClinVar aggregate classification (germline): Uncertain significance. Review status: criteria provided, multiple submitters, no conflicts (2 of 4 stars). 3 submissions from 3 submitters: Uncertain significance (3). Last evaluated 2025-11-24.

Conditions:
Inborn genetic diseases. Identifiers: MedGen C0950123, MeSH D030342.

Allele frequency attached by ClinVar (database versions not stated): gnomAD exomes below 0.00001; TOPMed 0.00002; gnomAD 0.00001.
gnomAD v4.1: 4 of 1,591,368 alleles (0.00025%); highest among the groups gnomAD compares: African/African-American, 0.0054%; no homozygotes.

Submissions (3):

Ambry Genetics
Classification: Uncertain significance for Inborn genetic diseases. Last evaluated: 2025-11-24. Review status: criteria provided, single submitter. Criteria: Ambry Variant Classification Scheme 2023. Collection method: clinical testing. Allele origin: germline.

Dasa
Classification: Uncertain significance. Last evaluated: 2025-11-05. Review status: criteria provided, single submitter. Criteria: DASA Assertion Criteria. Collection method: clinical testing. Allele origin: germline.
Comment: NM_000102.4(CYP17A1):c.1360C>T (p.Leu454Phe) is a missense variant that results in the substitution of leucine with phenylalanine. The affected residue or protein region has prior evidence supporting clinical relevance. This variant is rare in population databases. Computational prediction algorithms are consistent with a deleterious effect. The currently available literature and clinical evidence are not sufficient to establish a definitive association between this variant and the reported condition. Therefore, this variant is classified as a variant of uncertain significance.

Labcorp Genetics (formerly Invitae), Labcorp
Classification: Uncertain significance. Last evaluated: 2025-05-27. Review status: criteria provided, single submitter. Criteria: Invitae Variant Classification Sherloc (09022015). Collection method: clinical testing. Allele origin: germline.
Comment: This sequence change replaces leucine, which is neutral and non-polar, with phenylalanine, which is neutral and non-polar, at codon 454 of the CYP17A1 protein (p.Leu454Phe). This variant is present in population databases (no rsID available, gnomAD 0.01%). This variant has not been reported in the literature in individuals affected with CYP17A1-related conditions. ClinVar contains an entry for this variant (Variation ID: 2954957). Invitae Evidence Modeling of protein sequence and biophysical properties (such as structural, functional, and spatial information, amino acid conservation, physicochemical variation, residue mobility, and thermodynamic stability) indicates that this missense variant is expected to disrupt CYP17A1 protein function with a positive predictive value of 95%. In summary, the available evidence is currently insufficient to determine the role of this variant in disease. Therefore, it has been classified as a Variant of Uncertain Significance.